The following is an entry in ClinVar:

ClinVar aggregate classification (germline): Uncertain significance (1 of 4 stars; one submission).

Conditions:
Inborn genetic diseases. Identifiers: MedGen C0950123, MeSH D030342.

Allele frequency attached by ClinVar (database versions not stated): gnomAD exomes below 0.00001; ExAC 0.00001.
gnomAD v4.1: 1 of 1,614,180 alleles (0.000062%); highest among the groups gnomAD compares: Non-Finnish European, 0.000085%; no homozygotes.

Submission:

Ambry Genetics
Classification: Uncertain significance for Inborn genetic diseases. Last evaluated: 2024-07-11. Review status: criteria provided, single submitter. Criteria: Ambry Variant Classification Scheme 2023. Collection method: clinical testing. Allele origin: germline.
Comment: The p.E91V variant (also known as c.272A>T), located in coding exon 3 of the ATR gene, results from an A to T substitution at nucleotide position 272. The glutamic acid at codon 91 is replaced by valine, an amino acid with dissimilar properties. This amino acid position is conserved. In addition, the in silico prediction for this alteration is inconclusive. Since supporting evidence is limited at this time, the clinical significance of this alteration remains unclear.

NM_001184.4(ATR):c.272A>T (p.Glu91Val)

Gene: ATR (ATR checkpoint kinase; minus strand). Cytogenetic location: 3q23.
Variant type: single nucleotide variant.
Coding change: c.272A>T on transcript NM_001184.4 (MANE Select); coding-DNA position 272, A replaced by T.
Protein change: p.Glu91Val; replaces glutamic acid 91 with valine.
Molecular consequence: missense variant.
Genome position (GRCh38, 1-based): chr3:142,566,141, T>A on the plus strand (A>T on the coding strand, the complement: ATR is on the minus strand). VCF-style: chr3-142566141-T-A. GRCh37 (hg19) VCF-style: chr3-142284983-T-A.
Other names: c.272A>T, p.Glu91Val (NM_001354579.2); short protein forms E91V.
Identifiers: ClinVar variation 1795271 (VCV001795271.3), dbSNP rs770657189, ClinGen allele CA2650810.
Genomic context (GRCh38, chr3:142,566,141, plus strand): 5'-AGAACAGATGGCAAGTGAATGCATGAATAACAGCACTTACCAATACAACTGCCTTTGGCC[T>A]CATGGCTTCCACTCACATTTACAAACATAAGTGGGGAGGATTTCATGATATGCTGGATGA-3'
Protein context (NP_001175.2, residues 81-101): LMFVNVSGSH[Glu91Val]AKGSCIEFSN